The following is an entry in ClinVar:

ClinVar aggregate classification (germline): Uncertain significance (1 of 4 stars; one submission).

Conditions:
Hereditary spastic paraplegia 64. Also called: Spastic paraplegia 64, autosomal recessive; ENTPD1-Related Neurodevelopmental Disorder. Identifiers: Orphanet 401810, MedGen C3810289, MONDO:0014303, OMIM 615683.

Allele frequency attached by ClinVar (database versions not stated): gnomAD exomes below 0.00001.
gnomAD v4.1: 1 of 1,614,144 alleles (0.000062%); highest among the groups gnomAD compares: South Asian, 0.0011%; no homozygotes.

Submission:

Labcorp Genetics (formerly Invitae), Labcorp
Classification: Uncertain significance for Hereditary spastic paraplegia 64. Last evaluated: 2022-11-08. Review status: criteria provided, single submitter. Criteria: Invitae Variant Classification Sherloc (09022015). Collection method: clinical testing. Allele origin: germline.
Comment: This variant has not been reported in the literature in individuals affected with ENTPD1-related conditions. This variant is not present in population databases (gnomAD no frequency). This sequence change replaces valine, which is neutral and non-polar, with alanine, which is neutral and non-polar, at codon 95 of the ENTPD1 protein (p.Val95Ala). ClinVar contains an entry for this variant (Variation ID: 1052295). In summary, the available evidence is currently insufficient to determine the role of this variant in disease. Therefore, it has been classified as a Variant of Uncertain Significance. Advanced modeling of protein sequence and biophysical properties (such as structural, functional, and spatial information, amino acid conservation, physicochemical variation, residue mobility, and thermodynamic stability) performed at Invitae indicates that this missense variant is not expected to disrupt ENTPD1 protein function.

NM_001776.6(ENTPD1):c.284T>C (p.Val95Ala)

Genes: ENTPD1 (ectonucleoside triphosphate diphosphohydrolase 1; plus strand), ENTPD1-AS1 (ENTPD1 antisense RNA 1; minus strand). Cytogenetic location: 10q24.1.
Variant type: single nucleotide variant.
Coding change: c.284T>C on transcript NM_001776.6 (MANE Select); coding-DNA position 284, T replaced by C.
Protein change: p.Val95Ala; replaces valine 95 with alanine.
Molecular consequence: missense variant. On other transcripts: 5 prime UTR variant (2), intron variant (2).
Genome position (GRCh38, 1-based): chr10:95,842,365, T>C. VCF-style: chr10-95842365-T-C. GRCh37 (hg19) VCF-style: chr10-97602122-T-C.
Other names: c.305T>C, p.Val102Ala (NM_001098175.2); c.320T>C, p.Val107Ala (NM_001164178.1, NM_001320916.1); c.284T>C, p.Val95Ala (NM_001164179.2); c.-41T>C (NM_001164181.1, NM_001312654.1); c.-1-2111T>C (NM_001164182.2, NM_001164183.2); short protein forms V102A, V107A, V95A.
Identifiers: ClinVar variation 1052295 (VCV001052295.9), dbSNP rs2098424427, ClinGen allele CA377822266.